The following is an entry in ClinVar:

NM_001367624.2(ZNF469):c.3019G>A (p.Asp1007Asn)

Gene: ZNF469 (zinc finger protein 469; plus strand). Cytogenetic location: 16q24.2.
Variant type: single nucleotide variant.
Coding change: c.3019G>A on transcript NM_001367624.2 (MANE Select); coding-DNA position 3019, G replaced by A.
Protein change: p.Asp1007Asn; replaces aspartic acid 1007 with asparagine.
Molecular consequence: missense variant.
Genome position (GRCh38, 1-based): chr16:88,430,489, G>A. VCF-style: chr16-88430489-G-A. GRCh37 (hg19) VCF-style: chr16-88496897-G-A.
Other names: short protein forms D1007N.
Identifiers: ClinVar variation 5041407 (VCV005041407.1).

ClinVar aggregate classification (germline): Uncertain significance (1 of 4 stars; one submission).

gnomAD v4.1: 3 of 1,423,756 alleles (0.00021%); highest among the groups gnomAD compares: Non-Finnish European, 0.00027%; no homozygotes.

Submission:

CeGaT Center for Human Genetics Tuebingen
Classification: Uncertain significance. Last evaluated: 2026-09-01. Review status: criteria provided, single submitter. Criteria: CeGaT Center For Human Genetics Tuebingen Variant Classification Criteria Version 2. Collection method: clinical testing. Allele origin: germline. Affected: yes. Observed: 1 variant allele.
Comment: ZNF469: PM2